The following is an entry in ClinVar:

ClinVar aggregate classification (germline): Uncertain significance (1 of 4 stars; one submission).

gnomAD v4.1: 3 of 1,611,586 alleles (0.00019%); highest among the groups gnomAD compares: Non-Finnish European, 0.00025%; no homozygotes.

Submission:

Ambry Genetics
Classification: Uncertain significance. Last evaluated: 2023-09-27. Review status: criteria provided, single submitter. Criteria: Ambry Variant Classification Scheme 2023. Collection method: clinical testing. Allele origin: germline.
Comment: The p.R879L variant (also known as c.2636G>T), located in coding exon 14 of the PALLD gene, results from a G to T substitution at nucleotide position 2636. The arginine at codon 879 is replaced by leucine, an amino acid with dissimilar properties. This amino acid position is conserved. In addition, this alteration is predicted to be tolerated by in silico analysis. Since supporting evidence is limited at this time, the clinical significance of this alteration remains unclear.

NM_001166108.2(PALLD):c.2687G>T (p.Arg896Leu)

Genes: CBR4 (carbonyl reductase 4; minus strand), PALLD (palladin, cytoskeletal associated protein; plus strand). Cytogenetic location: 4q32.3.
Variant type: single nucleotide variant.
Coding change: c.2687G>T on transcript NM_001166108.2 (MANE Select); coding-DNA position 2687, G replaced by T.
Protein change: p.Arg896Leu; replaces arginine 896 with leucine.
Molecular consequence: missense variant.
Genome position (GRCh38, 1-based): chr4:168,913,991, G>T. VCF-style: chr4-168913991-G-T. GRCh37 (hg19) VCF-style: chr4-169835142-G-T.
Other names: c.1490G>T, p.Arg497Leu (NM_001166109.2); c.1175G>T, p.Arg392Leu (NM_001166110.2); c.515G>T, p.Arg172Leu (NM_001367567.1, NM_001367569.1); c.566G>T, p.Arg189Leu (NM_001367568.1, NM_001367570.1); c.2636G>T, p.Arg879Leu (NM_016081.4); short protein forms R189L, R172L, R392L, R497L, R896L, R879L.
Identifiers: ClinVar variation 1794118 (VCV001794118.2), dbSNP rs373500403, ClinGen allele CA358705230.
Genomic context (GRCh38, chr4:168,913,991, plus strand): 5'-GCATCAGTTGTACTGGACGGCTAATGGTACAGGCTGTCAACCAAAGAGGTCGAAGTCCCC[G>T]GTCTCCCTCAGGCCATCCTCATGTCAGAAGGTATTTAACATGTTCCTTCCCAGAAGTGTT-3'
Protein context (NP_001159580.1, residues 886-906): QAVNQRGRSP[Arg896Leu]SPSGHPHVRR